The following is an entry in ClinVar:

ClinVar aggregate classification (germline): Uncertain significance (1 of 4 stars; one submission).

Allele frequency attached by ClinVar (database versions not stated): gnomAD exomes below 0.00001; TOPMed 0.00001.
gnomAD v4.1: 2 of 1,612,146 alleles (0.00012%); highest among the groups gnomAD compares: African/African-American, 0.0013%; no homozygotes.

Submission:

Labcorp Genetics (formerly Invitae), Labcorp
Classification: Uncertain significance. Last evaluated: 2019-10-14. Review status: criteria provided, single submitter. Criteria: Invitae Variant Classification Sherloc (09022015). Collection method: clinical testing. Allele origin: germline.
Comment: This sequence change affects codon 218 of the TTLL5 mRNA. It is a 'silent' change, meaning that it does not change the encoded amino acid sequence of the TTLL5 protein. This variant is not present in population databases (ExAC no frequency). This variant has not been reported in the literature in individuals with TTLL5-related conditions. Algorithms developed to predict the effect of sequence changes on RNA splicing suggest that this variant is not likely to affect RNA splicing, but this prediction has not been confirmed by published transcriptional studies. In summary, the available evidence is currently insufficient to determine the role of this variant in disease. Therefore, it has been classified as a Variant of Uncertain Significance.

NM_015072.5(TTLL5):c.654T>C (p.Asp218=)

Gene: TTLL5 (tubulin tyrosine ligase like 5; plus strand). Cytogenetic location: 14q24.3.
Variant type: single nucleotide variant.
Coding change: c.654T>C on transcript NM_015072.5 (MANE Select); coding-DNA position 654, T replaced by C.
Protein change: p.Asp218=; no amino-acid change (aspartic acid 218 retained).
Molecular consequence: synonymous variant.
Genome position (GRCh38, 1-based): chr14:75,707,086, T>C. VCF-style: chr14-75707086-T-C. GRCh37 (hg19) VCF-style: chr14-76173429-T-C.
Identifiers: ClinVar variation 961042 (VCV000961042.9), dbSNP rs953769070, ClinGen allele CA263682622.